The following is an entry in ClinVar:

ClinVar aggregate classification (germline): Uncertain significance (1 of 4 stars; one submission).

Allele frequency attached by ClinVar (database versions not stated): ExAC 0.00001; gnomAD 0.00001; gnomAD exomes 0.00001; TOPMed 0.00001.
gnomAD v4.1: 19 of 1,614,068 alleles (0.0012%); highest among the groups gnomAD compares: Non-Finnish European, 0.0016%; no homozygotes.

Submission:

GeneDx
Classification: Uncertain significance. Last evaluated: 2023-01-12. Review status: criteria provided, single submitter. Criteria: GeneDx Variant Classification Process June 2021. Collection method: clinical testing. Allele origin: germline. Affected: yes.
Comment: Reported using an alternate transcript of the gene; Not observed at significant frequency in large population cohorts (gnomAD); In silico analysis supports that this missense variant does not alter protein structure/function; Has not been previously published as pathogenic or benign to our knowledge

NM_001377265.1(MAPT):c.1160A>C (p.Gln387Pro)

Gene: MAPT (microtubule associated protein tau). Cytogenetic location: 17q21.31.
Variant type: single nucleotide variant.
Coding change: c.1160A>C on transcript NM_001377265.1 (MANE Select); coding-DNA position 1160, A replaced by C.
Protein change: p.Gln387Pro; replaces glutamine 387 with proline.
Molecular consequence: missense variant. On other transcripts: intron variant (8).
Genome position (GRCh38, 1-based): chr17:45,983,739, A>C. VCF-style: chr17-45983739-A-C. GRCh37 (hg19) VCF-style: chr17-44061105-A-C.
Other names: c.935A>C, p.Gln312Pro (NM_001123066.4, NM_016835.5); c.1160A>C, p.Gln387Pro (NM_001377266.1); c.200-3301A>C (NM_001377268.1, NM_016834.5, NM_016841.5); c.374-3301A>C (NM_005910.6, NM_001203252.2); c.287-3301A>C (NM_001123067.4, NM_001203251.2, NM_001377267.1); short protein forms Q312P, Q387P.
Identifiers: ClinVar variation 2572868 (VCV002572868.1), dbSNP rs770840065, ClinGen allele CA8617794.